The following is an entry in ClinVar:

ClinVar aggregate classification (germline): Benign. Review status: criteria provided, multiple submitters, no conflicts (2 of 4 stars). 3 submissions from 3 submitters: Benign (3). Last evaluated 2018-06-23.

Conditions:
Mitochondrial complex V (ATP synthase) deficiency, nuclear type 2. Also called: Nuclear-Encoded ATPase Deficiency, TMEM70-Related; ENCEPHALOCARDIOMYOPATHY, MITOCHONDRIAL, NEONATAL, DUE TO ATP SYNTHASE DEFICIENCY; MITOCHONDRIAL COMPLEX V (ATP SYNTHASE) DEFICIENCY, TMEM70 TYPE. Identifiers: Orphanet 1194, MedGen C3279699, MONDO:0013546, OMIM 614052.

Allele frequency attached by ClinVar (database versions not stated): gnomAD exomes 0.17636 and 0.22040; ExAC 0.22864; gnomAD 0.23222 and 0.23523; TOPMed 0.25073; 1000 Genomes Project 0.25919; 1000 Genomes Project 30x 0.26499.

Submissions (3):

GeneDx
Classification: Benign. Last evaluated: 2018-06-23. Review status: criteria provided, single submitter. Criteria: GeneDx Variant Classification Process June 2021. Collection method: clinical testing. Allele origin: germline. Affected: yes.

Illumina Laboratory Services, Illumina
Classification: Benign for Mitochondrial complex V (ATP synthase) deficiency, nuclear type 2. Last evaluated: 2018-01-13. Review status: criteria provided, single submitter. Criteria: ICSL Variant Classification Criteria 13 December 2019. Collection method: clinical testing. Allele origin: germline.
Comment: This variant was observed in the ICSL laboratory as part of a predisposition screen in an ostensibly healthy population. It had not been previously curated by ICSL or reported in the Human Gene Mutation Database (HGMD: prior to June 1st, 2018), and was therefore a candidate for classification through an automated scoring system. Utilizing variant allele frequency, disease prevalence and penetrance estimates, and inheritance mode, an automated score was calculated to assess if this variant is too frequent to cause the disease. Based on the score and internal cut-off values, a variant classified as benign is not then subjected to further curation. The score for this variant resulted in a classification of benign for this disease.

Breakthrough Genomics
Classification: Benign. Review status: criteria provided, single submitter. Criteria: ACMG Guidelines, 2015. Collection method: not provided. Allele origin: germline. Inheritance: Autosomal recessive inheritance. Affected: yes.

NM_017866.6(TMEM70):c.*169A>G

Gene: TMEM70 (transmembrane protein 70; plus strand). Cytogenetic location: 8q21.11.
Variant type: single nucleotide variant.
Coding change: c.*169A>G on transcript NM_017866.6 (MANE Select); 169 bases downstream of the stop codon, A replaced by G.
Molecular consequence: 3 prime UTR variant. On other transcripts: non-coding transcript variant (1).
Genome position (GRCh38, 1-based): chr8:73,981,790, A>G. VCF-style: chr8-73981790-A-G. GRCh37 (hg19) VCF-style: chr8-74894025-A-G.
Other names: c.*642A>G (NM_001040613.3).
Identifiers: ClinVar variation 363695 (VCV000363695.8), dbSNP rs1053054, ClinGen allele CA4784144.
Genomic context (GRCh38, chr8:73,981,790, plus strand): 5'-TATCAAAGCTTTTAATTTCCAGAGAATGATGTTTGTTTATAATAAAACAAGCTATGTTTG[A>G]AAACCAAAATGTAGTATCTACCATTCGTGTTTTAGAAAGGTATGTGAATAAATATGTTCA-3'